The following is an entry in ClinVar:

ClinVar aggregate classification (germline): Uncertain significance (1 of 4 stars; one submission).

Submission:

GeneDx
Classification: Uncertain significance. Last evaluated: 2022-06-06. Review status: criteria provided, single submitter. Criteria: GeneDx Variant Classification Process June 2021. Collection method: clinical testing. Allele origin: germline. Affected: yes.
Comment: Not observed at significant frequency in large population cohorts (gnomAD); Nonsense variant predicted to result in protein truncation as the last 98 amino acids are lost, although loss-of-function variants have not been reported downstream of this position in the protein; Has not been previously published as pathogenic or benign to our knowledge

NM_006302.3(MOGS):c.2218C>T (p.Gln740Ter)

Gene: MOGS (mannosyl-oligosaccharide glucosidase; minus strand). Cytogenetic location: 2p13.1.
Variant type: single nucleotide variant.
Coding change: c.2218C>T on transcript NM_006302.3 (MANE Select); coding-DNA position 2218, C replaced by T.
Protein change: p.Gln740Ter; replaces glutamine 740 with a stop codon.
Molecular consequence: nonsense.
Genome position (GRCh38, 1-based): chr2:74,461,571, G>A on the plus strand (C>T on the coding strand, the complement: MOGS is on the minus strand). VCF-style: chr2-74461571-G-A. GRCh37 (hg19) VCF-style: chr2-74688698-G-A.
Other names: c.1900C>T, p.Gln634Ter (NM_001146158.2); short protein forms Q634*, Q740*.
Identifiers: ClinVar variation 1803625 (VCV001803625.1), dbSNP rs2529491437, ClinGen allele CA347366854.